The following is an entry in ClinVar:

ClinVar aggregate classification (germline): Pathogenic/Likely pathogenic. Review status: criteria provided, multiple submitters, no conflicts (2 of 4 stars). 5 submissions from 5 submitters: Pathogenic (2); Likely pathogenic (1). 2 of the submissions do not count toward it. Last evaluated 2024-04-26.

Conditions:
PHEOCHROMOCYTOMA/PARAGANGLIOMA SYNDROME 8 (PPGL8). Identifiers: MedGen CN382246, OMIM 621687.
Hereditary cancer-predisposing syndrome. Also called: Neoplastic Syndromes, Hereditary; Tumor predisposition; Hereditary neoplastic syndrome; Hereditary Cancer Syndrome. Identifiers: Orphanet 140162, MedGen C0027672, MeSH D009386, MONDO:0015356.
Hereditary pheochromocytoma and paraganglioma. Also called: Hereditary paragangliomas and pheochromocytomas; Hereditary pheochromocytoma-paraganglioma; Hereditary Paraganglioma-Pheochromocytoma Syndromes. Identifiers: Orphanet 29072, MedGen C4274332, MONDO:0017366.
Pheochromocytoma. Also called: MAX-Related Hereditary Paraganglioma-Pheochromocytoma Syndrome. Identifiers: Orphanet 29072, MedGen C0031511, MONDO:0008233, OMIM 171300, HP:0002666.

Submissions (5):

Rady Children's Institute for Genomic Medicine, Rady Children's Hospital San Diego
Classification: Likely pathogenic for Hereditary paraganglioma-pheochromocytoma syndrome. Last evaluated: 2024-04-26. Review status: criteria provided, single submitter. Criteria: ACMG Guidelines, 2015. Collection method: clinical testing. Allele origin: germline. Affected: yes.
Comment: This nonsense variant is found in the last exon of TMEM127, therefore the resulting mRNA is predicted to escape nonsense-mediated decay. However, nonsense variants located downstream of this variant have been reported as disease-causing variants in the literature (PMID: 22419703, 33051659, 28567294). Loss-of-function variation in TMEM127 is an established mechanism of disease (PMID: 20301715, 16266984). This variant has been previously reported as a heterozygous change in patients with pheochromocytoma (PMID: 20154675, 33051659). The c.475C>T (p.Gln159Ter) variant is absent from the gnomAD v4 population database and thus is presumed to be rare. Based on the available evidence, c.475C>T (p.Gln159Ter) is classified as Likely Pathogenic.

Ambry Genetics
Classification: Pathogenic for Hereditary cancer-predisposing syndrome. Last evaluated: 2024-02-15. Review status: criteria provided, single submitter. Criteria: Ambry Variant Classification Scheme 2023. Collection method: clinical testing. Allele origin: germline.
Comment: The p.Q159* pathogenic mutation (also known as c.475C>T), located in coding exon 3 of the TMEM127 gene, results from a C to T substitution at nucleotide position 475. This alteration occurs at the 3' terminus of theTMEM127 gene, is not expected to trigger nonsense-mediated mRNA decay, and only impacts the last 80 amino acids of the protein. However, premature stop codons are typically deleterious in nature and a significant portion of the protein is affected (Ambry internal data). This alteration has been reported in a family with multiple family members diagnosed with bilateral pheochromocytomas from 48y to 72y (Qin Y et al. Nat Genet. 2010 Mar; 42(3):229-33). Based on the supporting evidence, this alteration is interpreted as a disease-causing mutation.

Labcorp Genetics (formerly Invitae), Labcorp
Classification: Pathogenic for Hereditary pheochromocytoma and paraganglioma. Last evaluated: 2020-10-06. Review status: criteria provided, single submitter. Criteria: Invitae Variant Classification Sherloc (09022015). Collection method: clinical testing. Allele origin: germline.
Comment: This sequence change results in a premature translational stop signal in the TMEM127 gene (p.Gln159*). While this is not anticipated to result in nonsense mediated decay, it is expected to disrupt the last 80 amino acids of the TMEM127 protein. For these reasons, this variant has been classified as Pathogenic. This variant disrupts the C-terminus of the TMEM127 protein. Other variant(s) that disrupt this region (p.Tyr178Leufs*48) have been determined to be pathogenic (PMID: 28855235, 28384794). This suggests that variants that disrupt this region of the protein are likely to be causative of disease. This variant has been observed in individual(s) with paraganglioma-pheochromocytoma syndrome (PMID: 20154675). ClinVar contains an entry for this variant (Variation ID: 108). This variant is not present in population databases (ExAC no frequency).

OMIM
Classification: Pathogenic for PHEOCHROMOCYTOMA/PARAGANGLIOMA SYNDROME 8. Last evaluated: 2010-03-01. Review status: no assertion criteria provided. Collection method: literature only. Allele origin: germline. Not counted in ClinVar's aggregate classification.

Familial Cancer Clinic, Veneto Institute of Oncology
Classification: Likely pathogenic for Pheochromocytoma. Review status: no assertion criteria provided. Collection method: not provided. Allele origin: germline. Not counted in ClinVar's aggregate classification.
ClinVar note: Converted during submission from likely pathogenic - adrenal bilateral pheochromocy to Likely pathogenic.

Literature cited by the submitters: PubMed 20154675 (cited by 3 submitters); PubMed 28855235 (cited by Labcorp Genetics (formerly Invitae), Labcorp); PubMed 28384794 (cited by Labcorp Genetics (formerly Invitae), Labcorp).

NM_017849.4(TMEM127):c.475C>T (p.Gln159Ter)

Gene: TMEM127 (transmembrane protein 127; minus strand). Cytogenetic location: 2q11.2.
Variant type: single nucleotide variant.
Coding change: c.475C>T on transcript NM_017849.4 (MANE Select); coding-DNA position 475, C replaced by T.
Protein change: p.Gln159Ter; replaces glutamine 159 with a stop codon.
Molecular consequence: nonsense.
Genome position (GRCh38, 1-based): chr2:96,254,050, G>A on the plus strand (C>T on the coding strand, the complement: TMEM127 is on the minus strand). VCF-style: chr2-96254050-G-A. GRCh37 (hg19) VCF-style: chr2-96919788-G-A.
Other names: c.475C>T, p.Gln159Ter (NM_001193304.3); short protein forms Q159*.
Identifiers: ClinVar variation 108 (VCV000000108.16), dbSNP rs121908830, ClinGen allele CA113855.